The following is an entry in ClinVar:

NM_014159.7(SETD2):c.7685A>G (p.Glu2562Gly)

Gene: SETD2 (SET domain containing 2, histone lysine methyltransferase; minus strand). Cytogenetic location: 3p21.31.
Variant type: single nucleotide variant.
Coding change: c.7685A>G on transcript NM_014159.7 (MANE Select); coding-DNA position 7685, A replaced by G.
Protein change: p.Glu2562Gly; replaces glutamic acid 2562 with glycine.
Molecular consequence: missense variant. On other transcripts: non-coding transcript variant (1).
Genome position (GRCh38, 1-based): chr3:47,017,103, T>C on the plus strand (A>G on the coding strand, the complement: SETD2 is on the minus strand). VCF-style: chr3-47017103-T-C. GRCh37 (hg19) VCF-style: chr3-47058593-T-C.
Other names: c.7553A>G, p.Glu2518Gly (NM_001349370.3); short protein forms E2518G, E2562G.
Identifiers: ClinVar variation 954883 (VCV000954883.2), dbSNP rs2038014136, ClinGen allele CA352556142.

ClinVar aggregate classification (germline): Uncertain significance (1 of 4 stars; one submission).

Conditions:
Luscan-Lumish syndrome. Identifiers: Orphanet 597738, MedGen C4085873, MONDO:0014791, OMIM 616831.

Submission:

Labcorp Genetics (formerly Invitae), Labcorp
Classification: Uncertain significance for Luscan-Lumish syndrome. Last evaluated: 2019-10-20. Review status: criteria provided, single submitter. Criteria: Invitae Variant Classification Sherloc (09022015). Collection method: clinical testing. Allele origin: germline.
Comment: This sequence change replaces glutamic acid with glycine at codon 2562 of the SETD2 protein (p.Glu2562Gly). The glutamic acid residue is moderately conserved and there is a moderate physicochemical difference between glutamic acid and glycine. This variant is not present in population databases (ExAC no frequency). This variant has not been reported in the literature in individuals with SETD2-related conditions. Algorithms developed to predict the effect of missense changes on protein structure and function are either unavailable or do not agree on the potential impact of this missense change (SIFT: Deleterious; PolyPhen-2: Possibly Damaging; Align-GVGD: Class C0). In summary, the available evidence is currently insufficient to determine the role of this variant in disease. Therefore, it has been classified as a Variant of Uncertain Significance.